The following is an entry in ClinVar:

ClinVar aggregate classification (germline): Pathogenic (1 of 4 stars; one submission).

Conditions:
Immunodeficiency 23 (IMD23). Also called: IMMUNODEFICIENCY WITH HYPER IgE AND COGNITIVE IMPAIRMENT; IMMUNODEFICIENCY-VASCULITIS-MYOCLONUS SYNDROME. Identifiers: Orphanet 443811, MedGen C4014371, MONDO:0014353, OMIM 615816.

Submission:

Labcorp Genetics (formerly Invitae), Labcorp
Classification: Pathogenic for Immunodeficiency 23. Last evaluated: 2026-01-18. Review status: criteria provided, single submitter. Criteria: Invitae Variant Classification Sherloc (09022015). Collection method: clinical testing. Allele origin: germline.
Comment: This sequence change creates a premature translational stop signal (p.Pro44Glnfs*22) in the PGM3 gene. It is expected to result in an absent or disrupted protein product. Loss-of-function variants in PGM3 are known to be pathogenic (PMID: 17548465, 24589341, 24931394). This variant is not present in population databases (gnomAD no frequency). This variant has not been reported in the literature in individuals affected with PGM3-related conditions. ClinVar contains an entry for this variant (Variation ID: 2839660). For these reasons, this variant has been classified as Pathogenic.

Literature cited by the submitters: PubMed 17548465; PubMed 24589341; PubMed 24931394.

NM_015599.3(PGM3):c.43_46dup (p.Pro16fs)

Gene: PGM3 (phosphoglucomutase 3; minus strand). Cytogenetic location: 6q14.1.
Variant type: Duplication.
Coding change: c.43_46dup on transcript NM_015599.3 (MANE Select); coding-DNA positions 43 to 46, 4 bases duplicated (AAGC; older notation c.43_46dupAAGC).
Protein change: p.Pro16fs; shifts the reading frame from proline 16.
Molecular consequence: frameshift variant. On other transcripts: non-coding transcript variant (1), intron variant (1).
Genome position (GRCh38, 1-based): chr6:83,190,967-83,190,970, GCTT duplicated on the plus strand (AAGC on the coding strand, the reverse complement: PGM3 is on the minus strand); duplicating any 4 consecutive bases within chr6:83,190,967-83,190,971 gives the same sequence; the c. name uses the placement nearest the transcript's 3' end. VCF-style (leftmost placement, unchanged base first): chr6-83190966-G-GGCTT. GRCh37 (hg19) VCF-style: chr6-83900685-G-GGCTT.
Other names: c.127_130dup, p.Pro44fs (NM_001199917.2, NM_001367287.1); c.43_46dup, p.Pro16fs (NM_001199919.2, NM_001367286.1); c.-39-2172_-39-2169dup (NM_001199918.2); short protein forms P44fs, P16fs.
Identifiers: ClinVar variation 2839660 (VCV002839660.3), dbSNP rs2538235844, ClinGen allele CA2578681065.